The following is an entry in ClinVar:

NM_000051.4(ATM):c.3502T>C (p.Cys1168Arg)

Gene: ATM (ATM serine/threonine kinase; plus strand). Cytogenetic location: 11q22.3.
Variant type: single nucleotide variant.
Coding change: c.3502T>C on transcript NM_000051.4 (MANE Select); coding-DNA position 3502, T replaced by C.
Protein change: p.Cys1168Arg; replaces cysteine 1168 with arginine.
Molecular consequence: missense variant.
Genome position (GRCh38, 1-based): chr11:108,281,094, T>C. VCF-style: chr11-108281094-T-C. GRCh37 (hg19) VCF-style: chr11-108151821-T-C.
Other names: c.3502T>C, p.Cys1168Arg (NM_001351834.2); short protein forms C1168R.
Identifiers: ClinVar variation 230914 (VCV000230914.24), dbSNP rs749933079, ClinGen allele CA6265300.

ClinVar aggregate classification (germline): Uncertain significance. Review status: criteria provided, multiple submitters, no conflicts (2 of 4 stars). 7 submissions from 7 submitters: Uncertain significance (6). 1 of the submissions does not count toward it. Last evaluated 2026-03-02.

Conditions:
Hereditary cancer-predisposing syndrome. Also called: Tumor predisposition; Hereditary neoplastic syndrome; Hereditary Cancer Syndrome; Neoplastic Syndromes, Hereditary. Identifiers: Orphanet 140162, MedGen C0027672, MeSH D009386, MONDO:0015356.
ATM-related cancer predisposition. Also called: ATM-related cancer susceptibility. Identifiers: MedGen CN377759, MONDO:0700270.
Ataxia-telangiectasia syndrome (AT). Also called: Ataxia telangiectasia (A-T); Ataxia-telangiectasia, complementation group E; ATAXIA-TELANGIECTASIA, COMPLEMENTATION GROUP A; ATAXIA-TELANGIECTASIA, FRESNO VARIANT; Ataxia-telangiectasia; Cerebello-oculocutaneous telangiectasia. Identifiers: Orphanet 100, MedGen C0004135, MONDO:0008840, OMIM 208900.

Allele frequency attached by ClinVar (database versions not stated): gnomAD exomes 0.00001; TOPMed below 0.00001; ExAC 0.00002.

Submissions (7):

Women's Health and Genetics/Laboratory Corporation of America, LabCorp
Classification: Uncertain significance. Last evaluated: 2026-03-02. Review status: criteria provided, single submitter. Criteria: LabCorp Variant Classification Summary - May 2015. Collection method: clinical testing. Allele origin: germline.
Comment: Variant summary: ATM c.3502T>C (p.Cys1168Arg) results in a non-conservative amino acid change in the encoded protein sequence. Algorithms developed to predict the effect of missense changes on protein structure and function are either unavailable or do not agree on the potential impact of this missense change. The variant allele was found at a frequency of 8e-06 in 251356 control chromosomes. The available data on variant occurrences in the general population are insufficient to allow any conclusion about variant significance. To our knowledge, no occurrence of c.3502T>C in individuals affected with ATM-related conditions and no experimental evidence demonstrating its impact on protein function have been reported. ClinVar contains an entry for this variant (Variation ID: 230914). Based on the evidence outlined above, the variant was classified as uncertain significance.

Labcorp Genetics (formerly Invitae), Labcorp
Classification: Uncertain significance for Ataxia-telangiectasia syndrome. Last evaluated: 2026-01-11. Review status: criteria provided, single submitter. Criteria: Invitae Variant Classification Sherloc (09022015). Collection method: clinical testing. Allele origin: germline.
Comment: This sequence change replaces cysteine, which is neutral and slightly polar, with arginine, which is basic and polar, at codon 1168 of the ATM protein (p.Cys1168Arg). This variant is present in population databases (rs749933079, gnomAD 0.01%). This variant has not been reported in the literature in individuals affected with ATM-related conditions. ClinVar contains an entry for this variant (Variation ID: 230914). Invitae Evidence Modeling of protein sequence and biophysical properties (such as structural, functional, and spatial information, amino acid conservation, physicochemical variation, residue mobility, and thermodynamic stability) has been performed for this missense variant. However, the output from this modeling did not meet the statistical confidence thresholds required to predict the impact of this variant on ATM protein function. In summary, the available evidence is currently insufficient to determine the role of this variant in disease. Therefore, it has been classified as a Variant of Uncertain Significance.

GeneDx
Classification: Uncertain significance. Last evaluated: 2025-09-12. Review status: criteria provided, single submitter. Criteria: GeneDx Variant Classification Process June 2021. Collection method: clinical testing. Allele origin: germline.
Comment: Not observed at significant frequency in large population cohorts (gnomAD); In silico analysis supports that this missense variant has a deleterious effect on protein structure/function; Has not been previously published as pathogenic or benign to our knowledge; This variant is associated with the following publications: (PMID: 19781682)

Department of Pathology and Laboratory Medicine, Sinai Health System
Classification: Uncertain significance for ATM-related cancer predisposition. Last evaluated: 2024-07-02. Review status: criteria provided, single submitter. Criteria: ACMG Guidelines, 2015. Collection method: clinical testing. Allele origin: germline.

Ambry Genetics
Classification: Uncertain significance for Hereditary cancer-predisposing syndrome. Last evaluated: 2024-01-05. Review status: criteria provided, single submitter. Criteria: Ambry Variant Classification Scheme 2023. Collection method: clinical testing. Allele origin: germline.
Comment: The p.C1168R variant (also known as c.3502T>C), located in coding exon 23 of the ATM gene, results from a T to C substitution at nucleotide position 3502. The cysteine at codon 1168 is replaced by arginine, an amino acid with highly dissimilar properties. This amino acid position is highly conserved in available vertebrate species. In addition, this alteration is predicted to be deleterious by in silico analysis. Since supporting evidence is limited at this time, the clinical significance of this alteration remains unclear.

Color Diagnostics, LLC DBA Color Health
Classification: Uncertain significance for Hereditary cancer-predisposing syndrome. Last evaluated: 2019-06-07. Review status: criteria provided, single submitter. Criteria: ACMG Guidelines, 2015. Collection method: clinical testing. Allele origin: germline.

Natera, Inc.
Classification: Uncertain significance for Ataxia-telangiectasia. Last evaluated: 2020-02-10. Review status: no assertion criteria provided. Collection method: clinical testing. Allele origin: germline. Not counted in ClinVar's aggregate classification.